The following is an entry in ClinVar:

ClinVar aggregate classification (germline): Uncertain significance (1 of 4 stars; one submission).

Conditions:
Joubert syndrome 23 (JBTS23). Identifiers: Orphanet 475, MedGen C4084822, MONDO:0014664, OMIM 616490.
Short-rib thoracic dysplasia 14 with polydactyly (SRTD14). Identifiers: Orphanet 397715, MedGen C4225286, MONDO:0014688, OMIM 616546.

gnomAD v4.1: 1 of 1,551,132 alleles (0.000064%); highest among the groups gnomAD compares: Non-Finnish European, 0.000087%; no homozygotes.

Submission:

Labcorp Genetics (formerly Invitae), Labcorp
Classification: Uncertain significance for Joubert syndrome 23; Short-rib thoracic dysplasia 14 with polydactyly. Last evaluated: 2022-05-05. Review status: criteria provided, single submitter. Criteria: Invitae Variant Classification Sherloc (09022015). Collection method: clinical testing. Allele origin: germline.
Comment: In summary, the available evidence is currently insufficient to determine the role of this variant in disease. Therefore, it has been classified as a Variant of Uncertain Significance. Algorithms developed to predict the effect of missense changes on protein structure and function are either unavailable or do not agree on the potential impact of this missense change (SIFT: "Deleterious"; PolyPhen-2: "Probably Damaging"; Align-GVGD: "Class C0"). This variant has not been reported in the literature in individuals affected with KIAA0586-related conditions. This variant is not present in population databases (gnomAD no frequency). This sequence change replaces isoleucine, which is neutral and non-polar, with methionine, which is neutral and non-polar, at codon 927 of the KIAA0586 protein (p.Ile927Met).

NM_001329943.3(KIAA0586):c.2622C>G (p.Ile874Met)

Gene: KIAA0586 (KIAA0586; plus strand). Cytogenetic location: 14q23.1.
Variant type: single nucleotide variant.
Coding change: c.2622C>G on transcript NM_001329943.3 (MANE Select); coding-DNA position 2622, C replaced by G.
Protein change: p.Ile874Met; replaces isoleucine 874 with methionine.
Molecular consequence: missense variant.
Genome position (GRCh38, 1-based): chr14:58,472,267, C>G. VCF-style: chr14-58472267-C-G. GRCh37 (hg19) VCF-style: chr14-58938985-C-G.
Other names: c.2781C>G, p.Ile927Met (NM_001244189.2); c.2577C>G, p.Ile859Met (NM_001244190.2); c.2367C>G, p.Ile789Met (NM_001244191.2, NM_001329945.2, NM_001364700.1 and 1 more transcripts); c.2490C>G, p.Ile830Met (NM_001244192.2); c.2202C>G, p.Ile734Met (NM_001244193.2); c.2622C>G, p.Ile874Met (NM_001329944.2, NM_001329946.2, NM_001329947.2); c.2394C>G, p.Ile798Met (NM_014749.5); short protein forms I734M, I789M, I874M, I798M, I830M, I859M, I927M.
Identifiers: ClinVar variation 1896112 (VCV001896112.5), dbSNP rs762893737, ClinGen allele CA389877261.